The following is an entry in ClinVar:

NM_206933.2(USH2A):c.(?_785)_(1840_?)del

Gene: USH2A (usherin; minus strand). Cytogenetic location: 1q41.
Variant type: Deletion.
Coding change: c.(?_785)_(1840_?)del on transcript NM_206933.2; a large deletion whose breakpoints are not mapped to the base.
Other names: c.(?_785)_(1840_?)del (NM_206933.2).
Identifiers: ClinVar variation 178656 (VCV000178656.5).

ClinVar aggregate classification (germline): Pathogenic (1 of 4 stars; one submission).

Conditions:
Rare genetic deafness. Identifiers: Orphanet 96210, MedGen C5680250.

Submission:

Laboratory for Molecular Medicine, Mass General Brigham Personalized Medicine
Classification: Pathogenic for Rare genetic deafness. Last evaluated: 2012-06-02. Review status: criteria provided, single submitter. Criteria: LMM Criteria. Collection method: clinical testing. Allele origin: germline. Inheritance: Autosomal recessive inheritance. Observed: 1 variant allele.
Comment: The c.(?_785)_(1840_?)del variant (USH2A) has not been reported in the literatur e nor previously identified by our laboratory. This variant is a deletion of exo ns 5-10 of USH2A and is predicted to result in an absent or truncated protein. S everal large deletions that span one or more exons of the USH2A gene have been r eported in probands affected with Usher syndrome type II (Bernal 2005, Baux 2007 , Dreyer 2008, Stabej 2012). In summary, this variant meets our criteria to be c lassified as pathogenic.

Literature cited by the submitters: PubMed 16098008; PubMed 17405132; PubMed 18273898; PubMed 22135276.